The following is an entry in ClinVar:

ClinVar aggregate classification (germline): Uncertain significance (1 of 4 stars; one submission).

Conditions:
Hypoplastic left heart syndrome. Also called: Hypoplastic left heart; Hypoplastic left ventricle. Identifiers: Orphanet 2248, MedGen C0152101, MONDO:0004933, HP:0004383.

Allele frequency attached by ClinVar (database versions not stated): ExAC 0.00001; gnomAD 0.00001; 1000 Genomes Project 30x 0.00016; 1000 Genomes Project 0.00020.

Submission:

Labcorp Genetics (formerly Invitae), Labcorp
Classification: Uncertain significance for Hypoplastic left heart syndrome. Last evaluated: 2023-01-10. Review status: criteria provided, single submitter. Criteria: Invitae Variant Classification Sherloc (09022015). Collection method: clinical testing. Allele origin: germline.
Comment: This variant is present in population databases (rs533319519, gnomAD 0.003%). In summary, the available evidence is currently insufficient to determine the role of this variant in disease. Therefore, it has been classified as a Variant of Uncertain Significance. Algorithms developed to predict the effect of missense changes on protein structure and function (SIFT, PolyPhen-2, Align-GVGD) all suggest that this variant is likely to be tolerated. This variant has not been reported in the literature in individuals affected with HAND1-related conditions. This sequence change replaces glutamine, which is neutral and polar, with arginine, which is basic and polar, at codon 37 of the HAND1 protein (p.Gln37Arg).

NM_004821.3(HAND1):c.110A>G (p.Gln37Arg)

Gene: HAND1 (heart and neural crest derivatives expressed 1; minus strand). Cytogenetic location: 5q33.2.
Variant type: single nucleotide variant.
Coding change: c.110A>G on transcript NM_004821.3 (MANE Select); coding-DNA position 110, A replaced by G.
Protein change: p.Gln37Arg; replaces glutamine 37 with arginine.
Molecular consequence: missense variant.
Genome position (GRCh38, 1-based): chr5:154,477,899, T>C on the plus strand (A>G on the coding strand, the complement: HAND1 is on the minus strand). VCF-style: chr5-154477899-T-C. GRCh37 (hg19) VCF-style: chr5-153857459-T-C.
Other names: short protein forms Q37R.
Identifiers: ClinVar variation 2827454 (VCV002827454.3), dbSNP rs533319519, ClinGen allele CA3526642.